The following is an entry in ClinVar:

NM_000384.3(APOB):c.6886G>C (p.Val2296Leu)

Gene: APOB (apolipoprotein B; minus strand). Cytogenetic location: 2p24.1.
Variant type: single nucleotide variant.
Coding change: c.6886G>C on transcript NM_000384.3 (MANE Select); coding-DNA position 6886, G replaced by C.
Protein change: p.Val2296Leu; replaces valine 2296 with leucine.
Molecular consequence: missense variant.
Genome position (GRCh38, 1-based): chr2:21,009,982, C>G on the plus strand (G>C on the coding strand, the complement: APOB is on the minus strand). VCF-style: chr2-21009982-C-G. GRCh37 (hg19) VCF-style: chr2-21232854-C-G.
Other names: short protein forms V2296L.
Identifiers: ClinVar variation 2446986 (VCV002446986.4), dbSNP rs150721027, ClinGen allele CA063687.
Genomic context (GRCh38, chr2:21,009,982, plus strand): 5'-GCTCAAGAATGTCATTTATTCTTTCAAATGAAATTGTAGTTCCCAATTGATCTAAAAGCA[C>G]TCTAACATCAATAGCCTCAATGTGTTGTTTTAACTTTCCAGCTAGGTGCTGGATGTCTAT-3'
Protein context (NP_000375.3, residues 2286-2306): KQHIEAIDVR[Val2296Leu]LLDQLGTTIS

ClinVar aggregate classification (germline): Conflicting classifications of pathogenicity. Review status: criteria provided, conflicting classifications (1 of 4 stars). 2 submissions from 2 submitters: Uncertain significance (1); Benign (1). Last evaluated 2024-12-17.

Conditions:
Familial hypobetalipoproteinemia 1. Also called: APOB-Related Familial Hypobetalipoproteinemia; Hypobetalipoproteinemia, normotriglyceridemic; Acanthocytosis with hypobetalipoproteinemia. Identifiers: MedGen C4551990, MONDO:0014252, OMIM 615558.
Hypercholesterolemia, autosomal dominant, type B (FHCL2). Also called: APOLIPOPROTEIN B-100, FAMILIAL DEFECTIVE; APOLIPOPROTEIN B-100, FAMILIAL LIGAND-DEFECTIVE; HYPERCHOLESTEROLEMIA, FAMILIAL, DUE TO LIGAND-DEFECTIVE APOLIPOPROTEIN B; Familial Hypercholesterolemia Type B; APOB-Related Familial Hypercholesterolemia, Autosomal Dominant; Hyperlipoproteinemia Type IIb. Identifiers: MedGen C1704417, MONDO:0007751, OMIM 144010.
Cardiovascular phenotype. Identifiers: MedGen CN230736.

Allele frequency attached by ClinVar (database versions not stated): gnomAD exomes below 0.00001; ExAC 0.00001; TOPMed 0.00004; gnomAD 0.00005; ESP Exome Variant Server 0.00008.
gnomAD v4.1: 10 of 1,613,840 alleles (0.00062%); highest among the groups gnomAD compares: African/African-American, 0.011%; no homozygotes.

Submissions (2):

Labcorp Genetics (formerly Invitae), Labcorp
Classification: Benign for Familial hypobetalipoproteinemia 1; Hypercholesterolemia, autosomal dominant, type B. Last evaluated: 2024-12-17. Review status: criteria provided, single submitter. Criteria: Invitae Variant Classification Sherloc (09022015). Collection method: clinical testing. Allele origin: germline.

Ambry Genetics
Classification: Uncertain significance for Cardiovascular phenotype. Last evaluated: 2023-02-02. Review status: criteria provided, single submitter. Criteria: Ambry Variant Classification Scheme 2023. Collection method: clinical testing. Allele origin: germline.
Comment: The p.V2296L variant (also known as c.6886G>C), located in coding exon 26 of the APOB gene, results from a G to C substitution at nucleotide position 6886. The valine at codon 2296 is replaced by leucine, an amino acid with highly similar properties. This amino acid position is conserved. In addition, this alteration is predicted to be tolerated by in silico analysis. Since supporting evidence is limited at this time, the clinical significance of this alteration remains unclear.